The following is an entry in ClinVar:

ClinVar aggregate classification (germline): Uncertain significance (1 of 4 stars; one submission).

gnomAD v4.1: 1 of 1,614,054 alleles (0.000062%); highest among the groups gnomAD compares: Admixed American, 0.0017%; no homozygotes.

Submission:

Labcorp Genetics (formerly Invitae), Labcorp
Classification: Uncertain significance. Last evaluated: 2025-05-13. Review status: criteria provided, single submitter. Criteria: Invitae Variant Classification Sherloc (09022015). Collection method: clinical testing. Allele origin: germline.
Comment: This sequence change replaces lysine, which is basic and polar, with methionine, which is neutral and non-polar, at codon 4358 of the RNF213 protein (p.Lys4358Met). This variant is present in population databases (rs759901778, gnomAD 0.003%). This variant has not been reported in the literature in individuals affected with RNF213-related conditions. An algorithm developed to predict the effect of missense changes on protein structure and function outputs the following: PolyPhen-2: "Benign". The methionine amino acid residue is found in multiple mammalian species, which suggests that this missense change does not adversely affect protein function. In summary, the available evidence is currently insufficient to determine the role of this variant in disease. Therefore, it has been classified as a Variant of Uncertain Significance.

NM_001256071.3(RNF213):c.13073A>T (p.Lys4358Met)

Genes: RNF213 (ring finger protein 213; plus strand), RNF213-AS1 (RNF213 antisense RNA 1; minus strand). Cytogenetic location: 17q25.3.
Variant type: single nucleotide variant.
Coding change: c.13073A>T on transcript NM_001256071.3 (MANE Select); coding-DNA position 13073, A replaced by T.
Protein change: p.Lys4358Met; replaces lysine 4358 with methionine.
Molecular consequence: missense variant.
Genome position (GRCh38, 1-based): chr17:80,374,588, A>T. VCF-style: chr17-80374588-A-T. GRCh37 (hg19) VCF-style: chr17-78348388-A-T.
Other names: c.13220A>T, p.Lys4407Met (NM_001410195.1, NM_020914.5); short protein forms K4358M, K4407M.
Identifiers: ClinVar variation 4698185 (VCV004698185.1).